The following is an entry in ClinVar:

ClinVar aggregate classification (germline): Uncertain significance. Review status: criteria provided, multiple submitters, no conflicts (2 of 4 stars). 6 submissions from 6 submitters: Uncertain significance (5). 1 of the submissions does not count toward it. Last evaluated 2025-01-14.

Conditions:
Cardiovascular phenotype. Identifiers: MedGen CN230736.
Hypertrophic cardiomyopathy 4. Also called: Familial hypertrophic cardiomyopathy 4. Identifiers: MedGen C1861862, MONDO:0007268, OMIM 115197.
Left ventricular noncompaction 10 (LVNC10). Identifiers: Orphanet 154, Orphanet 54260, MedGen C3715165, MONDO:0014163, OMIM 615396.
Cardiomyopathy (CMYO). Also called: Cardiomyopathies. Identifiers: Orphanet 167848, MedGen C0878544, MONDO:0004994, HP:0001638. Inheritance: Various modes of inheritance.
Hypertrophic cardiomyopathy. Also called: HYPERTROPHIC MYOCARDIOPATHY. Identifiers: Orphanet 217569, MedGen C0007194, MeSH D002312, MONDO:0005045, HP:0001639.

Allele frequency attached by ClinVar (database versions not stated): gnomAD exomes below 0.00001 and 0.00001; ExAC 0.00001; TOPMed 0.00004; gnomAD 0.00005.
gnomAD v4.1: 25 of 1,613,828 alleles (0.0015%); highest among the groups gnomAD compares: South Asian, 0.0022%; no homozygotes.

Submissions (6):

Labcorp Genetics (formerly Invitae), Labcorp
Classification: Uncertain significance for Hypertrophic cardiomyopathy. Last evaluated: 2025-01-14. Review status: criteria provided, single submitter. Criteria: Invitae Variant Classification Sherloc (09022015). Collection method: clinical testing. Allele origin: germline.
Comment: This sequence change replaces alanine, which is neutral and non-polar, with threonine, which is neutral and polar, at codon 558 of the MYBPC3 protein (p.Ala558Thr). This variant is present in population databases (rs727503198, gnomAD 0.003%). This missense change has been observed in individuals with hypertrophic cardiomyopathy (PMID: 27532257, 37937776; internal data). ClinVar contains an entry for this variant (Variation ID: 164102). An algorithm developed to predict the effect of missense changes on protein structure and function (PolyPhen-2) suggests that this variant is likely to be disruptive. In summary, the available evidence is currently insufficient to determine the role of this variant in disease. Therefore, it has been classified as a Variant of Uncertain Significance.

Color Diagnostics, LLC DBA Color Health
Classification: Uncertain significance for Cardiomyopathy. Last evaluated: 2024-09-23. Review status: criteria provided, single submitter. Criteria: ACMG Guidelines, 2015. Collection method: clinical testing. Allele origin: germline.
Comment: This missense variant replaces alanine with threonine at codon 558 of the MYBPC3 protein. Computational prediction suggests that this variant may not impact protein structure and function. To our knowledge, functional studies have not been reported for this variant. This variant has been reported in an individual affected with hypertrophic cardiomyopathy (PMID: 27532257). This variant has been identified in 3/280380 chromosomes in the general population by the Genome Aggregation Database (gnomAD). The available evidence is insufficient to determine the role of this variant in disease conclusively. Therefore, this variant is classified as a Variant of Uncertain Significance.

All of Us Research Program, National Institutes of Health
Classification: Uncertain significance for Hypertrophic cardiomyopathy. Last evaluated: 2024-09-18. Review status: criteria provided, single submitter. Criteria: ACMG Guidelines, 2015. Collection method: clinical testing. Allele origin: germline. Inheritance: Autosomal dominant inheritance. Observed: 12 variant alleles, 12 heterozygotes.
Comment: This missense variant replaces alanine with threonine at codon 558 of the MYBPC3 protein. Computational prediction suggests that this variant may not impact protein structure and function (internally defined REVEL score threshold <= 0.5, PMID: 27666373). To our knowledge, functional studies have not been reported for this variant. This variant has not been reported in individuals affected with cardiovascular disorders in the literature. This variant has been identified in 3/280380 chromosomes in the general population by the Genome Aggregation Database (gnomAD). The available evidence is insufficient to determine the role of this variant in disease conclusively. Therefore, this variant is classified as a Variant of Uncertain Significance.

This study involves interpretation of variants in research participants for the purpose of population health screening. Participant phenotype was not available at the time of variant classification. Additional details can be found in publication PMID: 35346344, PMCID: PMC8962531

Ambry Genetics
Classification: Uncertain significance for Cardiovascular phenotype. Last evaluated: 2022-02-03. Review status: criteria provided, single submitter. Criteria: Ambry Variant Classification Scheme 2023. Collection method: clinical testing. Allele origin: germline.
Comment: The p.A558T variant (also known as c.1672G>A), located in coding exon 18 of the MYBPC3 gene, results from a G to A substitution at nucleotide position 1672. The alanine at codon 558 is replaced by threonine, an amino acid with similar properties. This alteration has been reported in a hypertrophic cardiomyopathy clinical genetic testing cohort; however, clinical details were limited (Walsh R et al. Genet. Med., 2017 Feb;19:192-203). This amino acid position is well conserved in available vertebrate species. In addition, this alteration is predicted to be tolerated by in silico analysis. Since supporting evidence is limited at this time, the clinical significance of this alteration remains unclear.

Fulgent Genetics
Classification: Uncertain significance for Hypertrophic cardiomyopathy 4; Left ventricular noncompaction 10. Last evaluated: 2021-09-21. Review status: criteria provided, single submitter. Criteria: ACMG Guidelines, 2015. Collection method: clinical testing. Allele origin: unknown.

Laboratory for Molecular Medicine, Mass General Brigham Personalized Medicine
Classification: Uncertain significance. Last evaluated: 2013-02-11. Review status: no assertion criteria provided. Collection method: clinical testing. Allele origin: germline. Observed: 1 variant allele. Not counted in ClinVar's aggregate classification.
Comment: proposed classification - variant undergoing re-assessment, contact laboratory

Literature cited by the submitters: PubMed 27532257 (cited by 3 submitters); PubMed 37937776 (cited by Labcorp Genetics (formerly Invitae), Labcorp).

NM_000256.3(MYBPC3):c.1672G>A (p.Ala558Thr)

Gene: MYBPC3 (myosin binding protein C3; minus strand). Cytogenetic location: 11p11.2.
Variant type: single nucleotide variant.
Coding change: c.1672G>A on transcript NM_000256.3 (MANE Select); coding-DNA position 1672, G replaced by A.
Protein change: p.Ala558Thr; replaces alanine 558 with threonine.
Molecular consequence: missense variant.
Genome position (GRCh38, 1-based): chr11:47,342,109, C>T on the plus strand (G>A on the coding strand, the complement: MYBPC3 is on the minus strand). VCF-style: chr11-47342109-C-T. GRCh37 (hg19) VCF-style: chr11-47363660-C-T.
Other names: short protein forms A558T.
Identifiers: ClinVar variation 164102 (VCV000164102.18), dbSNP rs727503198, ClinGen allele CA010902.